The following is an entry in ClinVar:

NM_020937.4(FANCM):c.5816A>T (p.Glu1939Val)

Gene: FANCM (FA complementation group M; plus strand). Cytogenetic location: 14q21.2.
Variant type: single nucleotide variant.
Coding change: c.5816A>T on transcript NM_020937.4 (MANE Select); coding-DNA position 5816, A replaced by T.
Protein change: p.Glu1939Val; replaces glutamic acid 1939 with valine.
Molecular consequence: missense variant.
Genome position (GRCh38, 1-based): chr14:45,198,743, A>T. VCF-style: chr14-45198743-A-T. GRCh37 (hg19) VCF-style: chr14-45667946-A-T.
Other names: c.5738A>T, p.Glu1913Val (NM_001308133.2); short protein forms E1939V, E1913V.
Identifiers: ClinVar variation 3721390 (VCV003721390.2).
Genomic context (GRCh38, chr14:45,198,743, plus strand): 5'-ACAGCCTGCTGACTACCTTAATTGGCGCTGGAATCCGAATTCTTTTCAGTTCCTGCCAAG[A>T]AGAAACCGCAGATTTGCTAAAGGAACTGTCTTTAGTGGAACAAAGAAAGAATGTTGGTAT-3'
Protein context (NP_065988.1, residues 1929-1949): GIRILFSSCQ[Glu1939Val]ETADLLKELS

ClinVar aggregate classification (germline): Uncertain significance (1 of 4 stars; one submission).

Conditions:
Fanconi anemia (FA). Also called: Fanconi's anemia. Identifiers: Orphanet 84, MedGen C0015625, MeSH D005199, MONDO:0019391.

Submission:

Labcorp Genetics (formerly Invitae), Labcorp
Classification: Uncertain significance for Fanconi anemia. Last evaluated: 2024-09-23. Review status: criteria provided, single submitter. Criteria: Invitae Variant Classification Sherloc (09022015). Collection method: clinical testing. Allele origin: germline.
Comment: This sequence change replaces glutamic acid, which is acidic and polar, with valine, which is neutral and non-polar, at codon 1939 of the FANCM protein (p.Glu1939Val). This variant is not present in population databases (gnomAD no frequency). This variant has not been reported in the literature in individuals affected with FANCM-related conditions. An algorithm developed to predict the effect of missense changes on protein structure and function (PolyPhen-2) suggests that this variant is likely to be disruptive. Algorithms developed to predict the effect of sequence changes on RNA splicing suggest that this variant may disrupt the consensus splice site. In summary, the available evidence is currently insufficient to determine the role of this variant in disease. Therefore, it has been classified as a Variant of Uncertain Significance.